The following is an entry in ClinVar:

NM_024675.4(PALB2):c.1735G>C (p.Ala579Pro)

Gene: PALB2 (partner and localizer of BRCA2; minus strand). Cytogenetic location: 16p12.2.
Variant type: single nucleotide variant.
Coding change: c.1735G>C on transcript NM_024675.4 (MANE Select); coding-DNA position 1735, G replaced by C.
Protein change: p.Ala579Pro; replaces alanine 579 with proline.
Molecular consequence: missense variant.
Genome position (GRCh38, 1-based): chr16:23,630,419, C>G on the plus strand (G>C on the coding strand, the complement: PALB2 is on the minus strand). VCF-style: chr16-23630419-C-G. GRCh37 (hg19) VCF-style: chr16-23641740-C-G.
Other names: short protein forms A579P.
Identifiers: ClinVar variation 1404770 (VCV001404770.11), dbSNP rs1567218910, ClinGen allele CA395128320.

ClinVar aggregate classification (germline): Uncertain significance. Review status: criteria provided, multiple submitters, no conflicts (2 of 4 stars). 2 submissions from 2 submitters: Uncertain significance (2). Last evaluated 2021-01-21.

Conditions:
Familial cancer of breast. Also called: hereditary breast carcinoma; BREAST CANCER, FAMILIAL; Hereditary breast cancer. Identifiers: Orphanet 227535, MedGen C0346153, MONDO:0016419, OMIM 114480. Disease mechanism: loss of function.
Hereditary cancer-predisposing syndrome. Also called: Hereditary neoplastic syndrome; Hereditary Cancer Syndrome; Neoplastic Syndromes, Hereditary; Tumor predisposition. Identifiers: Orphanet 140162, MedGen C0027672, MeSH D009386, MONDO:0015356.

Submissions (2):

Labcorp Genetics (formerly Invitae), Labcorp
Classification: Uncertain significance for Familial cancer of breast. Last evaluated: 2021-01-21. Review status: criteria provided, single submitter. Criteria: Invitae Variant Classification Sherloc (09022015). Collection method: clinical testing. Allele origin: germline.
Comment: In summary, the available evidence is currently insufficient to determine the role of this variant in disease. Therefore, it has been classified as a Variant of Uncertain Significance. Algorithms developed to predict the effect of missense changes on protein structure and function are either unavailable or do not agree on the potential impact of this missense change (SIFT: "Tolerated"; PolyPhen-2: "Probably Damaging"; Align-GVGD: "Class C0"). This variant has not been reported in the literature in individuals with PALB2-related conditions. This variant is not present in population databases (ExAC no frequency). This sequence change replaces alanine with proline at codon 579 of the PALB2 protein (p.Ala579Pro). The alanine residue is weakly conserved and there is a small physicochemical difference between alanine and proline.

Ambry Genetics
Classification: Uncertain significance for Hereditary cancer-predisposing syndrome. Last evaluated: 2020-06-24. Review status: criteria provided, single submitter. Criteria: Ambry Variant Classification Scheme 2023. Collection method: clinical testing. Allele origin: germline.
Comment: The p.A579P variant (also known as c.1735G>C), located in coding exon 5 of the PALB2 gene, results from a G to C substitution at nucleotide position 1735. The alanine at codon 579 is replaced by proline, an amino acid with highly similar properties. This amino acid position is not well conserved in available vertebrate species. In addition, this alteration is predicted to be tolerated by in silico analysis. Since supporting evidence is limited at this time, the clinical significance of this alteration remains unclear.